The following is an entry in ClinVar:

ClinVar aggregate classification (germline): Uncertain significance (1 of 4 stars; one submission).

Conditions:
Charcot-Marie-Tooth disease axonal type 2C (HMSN2C). Also called: CHARCOT-MARIE-TOOTH DISEASE, AXONAL, AUTOSOMAL DOMINANT, TYPE 2C; Charcot-Marie-Tooth Neuropathy Type 2C; Charcot-Marie-Tooth Disease Type 2, TRPV4-Related (CMT2C). Identifiers: Orphanet 99937, MedGen C1853710, MONDO:0011633, OMIM 606071.

gnomAD v4.1: 1 of 1,611,034 alleles (0.000062%); highest among the groups gnomAD compares: South Asian, 0.0011%; no homozygotes.

Submission:

Labcorp Genetics (formerly Invitae), Labcorp
Classification: Uncertain significance for Charcot-Marie-Tooth disease axonal type 2C. Last evaluated: 2025-11-05. Review status: criteria provided, single submitter. Criteria: Invitae Variant Classification Sherloc (09022015). Collection method: clinical testing. Allele origin: germline.
Comment: This sequence change creates a premature translational stop signal (p.Ser290*) in the TRPV4 gene. It is expected to result in an absent or disrupted protein product. However, the current clinical and genetic evidence is not sufficient to establish whether loss-of-function variants in TRPV4 cause disease. This variant is not present in population databases (gnomAD no frequency). This variant has not been reported in the literature in individuals affected with TRPV4-related conditions. In summary, the available evidence is currently insufficient to determine the role of this variant in disease. Therefore, it has been classified as a Variant of Uncertain Significance.

NM_021625.5(TRPV4):c.869C>A (p.Ser290Ter)

Gene: TRPV4 (transient receptor potential cation channel subfamily V member 4; minus strand). Cytogenetic location: 12q24.11.
Variant type: single nucleotide variant.
Coding change: c.869C>A on transcript NM_021625.5 (MANE Select); coding-DNA position 869, C replaced by A.
Protein change: p.Ser290Ter; replaces serine 290 with a stop codon.
Molecular consequence: nonsense.
Genome position (GRCh38, 1-based): chr12:109,798,897, G>T on the plus strand (C>A on the coding strand, the complement: TRPV4 is on the minus strand). VCF-style: chr12-109798897-G-T. GRCh37 (hg19) VCF-style: chr12-110236702-G-T.
Other names: c.728C>A, p.Ser243Ter (NM_001177428.2, NM_001177433.2); c.767C>A, p.Ser256Ter (NM_001177431.2); c.869C>A, p.Ser290Ter (NM_147204.3); short protein forms S243*, S256*, S290*.
Identifiers: ClinVar variation 4730577 (VCV004730577.1).